The following is an entry in ClinVar:

NM_006648.4(WNK2):c.1597C>T (p.Arg533Cys)

Gene: WNK2 (WNK lysine deficient protein kinase 2; plus strand). Cytogenetic location: 9q22.31.
Variant type: single nucleotide variant.
Coding change: c.1597C>T on transcript NM_006648.4 (MANE Select); coding-DNA position 1597, C replaced by T.
Protein change: p.Arg533Cys; replaces arginine 533 with cysteine.
Molecular consequence: missense variant.
Genome position (GRCh38, 1-based): chr9:93,247,597, C>T. VCF-style: chr9-93247597-C-T. GRCh37 (hg19) VCF-style: chr9-96009879-C-T.
Other names: c.1597C>T, p.Arg533Cys (NM_001282394.3); short protein forms R533C.
Identifiers: ClinVar variation 3816876 (VCV003816876.1).

ClinVar aggregate classification (germline): Uncertain significance (1 of 4 stars; one submission).

gnomAD v4.1: 13 of 1,606,318 alleles (0.00081%); highest among the groups gnomAD compares: African/African-American, 0.0013%; no homozygotes.

Submission:

Ambry Genetics
Classification: Uncertain significance. Last evaluated: 2025-01-18. Review status: criteria provided, single submitter. Criteria: Ambry Variant Classification Scheme 2023. Collection method: clinical testing. Allele origin: germline.
Comment: The p.R533C variant (also known as c.1597C>T), located in coding exon 7 of the WNK2 gene, results from a C to T substitution at nucleotide position 1597. The arginine at codon 533 is replaced by cysteine, an amino acid with highly dissimilar properties. This amino acid position is conserved. In addition, the in silico prediction for this alteration is inconclusive. Based on the available evidence, the clinical significance of this variant remains unclear.